The following is an entry in ClinVar:

ClinVar aggregate classification (germline): Uncertain significance. Review status: criteria provided, multiple submitters, no conflicts (2 of 4 stars). 2 submissions from 2 submitters: Uncertain significance (2). Last evaluated 2022-10-13.

Allele frequency attached by ClinVar (database versions not stated): gnomAD exomes 0.00001 and 0.00003; ExAC 0.00005; gnomAD 0.00009 and 0.00011; TOPMed 0.00013; ESP Exome Variant Server 0.00031.
gnomAD v4.1: 31 of 1,612,848 alleles (0.0019%); highest among the groups gnomAD compares: African/African-American, 0.033%; no homozygotes.

Submissions (2):

Labcorp Genetics (formerly Invitae), Labcorp
Classification: Uncertain significance. Last evaluated: 2022-10-13. Review status: criteria provided, single submitter. Criteria: Invitae Variant Classification Sherloc (09022015). Collection method: clinical testing. Allele origin: germline.
Comment: This sequence change replaces asparagine, which is neutral and polar, with aspartic acid, which is acidic and polar, at codon 384 of the TULP1 protein (p.Asn384Asp). This variant is present in population databases (rs144103321, gnomAD 0.03%). This variant has not been reported in the literature in individuals affected with TULP1-related conditions. ClinVar contains an entry for this variant (Variation ID: 962486). Advanced modeling of protein sequence and biophysical properties (such as structural, functional, and spatial information, amino acid conservation, physicochemical variation, residue mobility, and thermodynamic stability) performed at Invitae indicates that this missense variant is not expected to disrupt TULP1 protein function. In summary, the available evidence is currently insufficient to determine the role of this variant in disease. Therefore, it has been classified as a Variant of Uncertain Significance.

Blueprint Genetics
Classification: Uncertain significance. Last evaluated: 2019-09-18. Review status: criteria provided, single submitter. Criteria: ACMG Guidelines, 2015. Collection method: clinical testing. Allele origin: germline.

NM_003322.6(TULP1):c.1150A>G (p.Asn384Asp)

Gene: TULP1 (TUB like protein 1; minus strand). Cytogenetic location: 6p21.31.
Variant type: single nucleotide variant.
Coding change: c.1150A>G on transcript NM_003322.6 (MANE Select); coding-DNA position 1150, A replaced by G.
Protein change: p.Asn384Asp; replaces asparagine 384 with aspartic acid.
Molecular consequence: missense variant.
Genome position (GRCh38, 1-based): chr6:35,503,811, T>C on the plus strand (A>G on the coding strand, the complement: TULP1 is on the minus strand). VCF-style: chr6-35503811-T-C. GRCh37 (hg19) VCF-style: chr6-35471588-T-C.
Other names: c.991A>G, p.Asn331Asp (NM_001289395.2); short protein forms N331D, N384D.
Identifiers: ClinVar variation 962486 (VCV000962486.8), dbSNP rs144103321, ClinGen allele CA3772639.